The following is an entry in ClinVar:

NM_001848.3(COL6A1):c.1496dup (p.Gly500fs)

Gene: COL6A1 (collagen type VI alpha 1 chain; plus strand). Cytogenetic location: 21q22.3.
Variant type: Duplication.
Coding change: c.1496dup on transcript NM_001848.3 (MANE Select); coding-DNA position 1496, one base duplicated (C; older notation c.1496dupC).
Protein change: p.Gly500fs; shifts the reading frame from glycine 500.
Molecular consequence: frameshift variant.
Genome position (GRCh38, 1-based): chr21:45,997,734, C duplicated; the last of 5 consecutive C bases (chr21:45,997,730-45,997,734); duplicating any one gives the same sequence. VCF-style (leftmost placement, unchanged base first): chr21-45997729-A-AC. GRCh37 (hg19) VCF-style: chr21-47417643-A-AC.
Other names: short protein forms G500fs.
Identifiers: ClinVar variation 4291973 (VCV004291973.1).

ClinVar aggregate classification (germline): Pathogenic (1 of 4 stars; one submission).

Conditions:
Ullrich congenital muscular dystrophy 1A. Also called: Intermediate COL6-RD; Ullrich congenital muscular dystrophy 1. Identifiers: Orphanet 75840, MedGen C0410179, MONDO:0009681, OMIM 254090.

Submission:

3billion
Classification: Pathogenic for Ullrich congenital muscular dystrophy 1A. Last evaluated: 2024-06-28. Review status: criteria provided, single submitter. Criteria: ACMG Guidelines, 2015. Collection method: clinical testing. Allele origin: germline. Affected: yes.
Comment: The variant is not observed in the gnomAD v4.0.0 dataset. Predicted Consequence/Location: Frameshift: predicted to result in a loss or disruption of normal protein function through nonsense-mediated decay (NMD) or protein truncation. Multiple pathogenic variants are reported downstream of the variant. The variant has been reported to be associated with COL6A1-related disorder (PMID: 33963534). Therefore, this variant is classified as Pathogenic according to the recommendation of ACMG/AMP guideline.

Literature cited by the submitters: PubMed 33963534.